The following is an entry in ClinVar:

ClinVar aggregate classification (germline): Uncertain significance (1 of 4 stars; one submission).

Conditions:
Epidermolysis bullosa simplex with nail dystrophy (EBS5D). Identifiers: MedGen C4225309, MONDO:0014661, OMIM 616487.
Epidermolysis bullosa simplex, Ogna type (EBS5A). Also called: Pidermolysis bullosa simplex 5A, Ogna type; EPIDERMOLYSIS BULLOSA SIMPLEX 5A, OGNA TYPE. Identifiers: Orphanet 79401, MedGen C0432317, MONDO:0007555, OMIM 131950.
Autosomal recessive limb-girdle muscular dystrophy type 2Q (LGMDR17). Also called: MUSCULAR DYSTROPHY, LIMB-GIRDLE, AUTOSOMAL RECESSIVE 17. Identifiers: Orphanet 254361, MedGen C3150989, MONDO:0013390, OMIM 613723.
Epidermolysis bullosa simplex 5B, with muscular dystrophy (EBS5B). Also called: EPIDERMOLYSIS BULLOSA SIMPLEX AND LIMB-GIRDLE MUSCULAR DYSTROPHY; Epidermolysis bullosa simplex with muscular dystrophy. Identifiers: Orphanet 257, MedGen C2931072, MONDO:0009181, OMIM 226670.
Epidermolysis bullosa simplex 5C, with pyloric atresia (EBS5C). Also called: PLEC-Related Epidermolysis Bullosa with Pyloric Atresia; Epidermolysis bullosa simplex with pyloric atresia; PLEC1-Related Epidermolysis Bullosa with Pyloric Atresia. Identifiers: Orphanet 158684, MedGen C2677349, MONDO:0012807, OMIM 612138.

Submission:

Labcorp Genetics (formerly Invitae), Labcorp
Classification: Uncertain significance for Autosomal recessive limb-girdle muscular dystrophy type 2Q; Epidermolysis bullosa simplex, Ogna type; Epidermolysis bullosa simplex with nail dystrophy; Epidermolysis bullosa simplex 5C, with pyloric atresia; Epidermolysis bullosa simplex 5B, with muscular dystrophy. Last evaluated: 2024-03-04. Review status: criteria provided, single submitter. Criteria: Invitae Variant Classification Sherloc (09022015). Collection method: clinical testing. Allele origin: germline.
Comment: This sequence change falls in intron 19 of the PLEC gene. It does not directly change the encoded amino acid sequence of the PLEC protein. It affects a nucleotide within the consensus splice site. This variant is not present in population databases (gnomAD no frequency). This variant has not been reported in the literature in individuals affected with PLEC-related conditions. Variants that disrupt the consensus splice site are a relatively common cause of aberrant splicing (PMID: 17576681, 9536098). Algorithms developed to predict the effect of sequence changes on RNA splicing suggest that this variant is not likely to affect RNA splicing. In summary, the available evidence is currently insufficient to determine the role of this variant in disease. Therefore, it has been classified as a Variant of Uncertain Significance.

Literature cited by the submitters: PubMed 17576681; PubMed 9536098.

NM_201384.3(PLEC):c.2179-3C>T

Gene: PLEC (plectin; minus strand). Cytogenetic location: 8q24.3.
Variant type: single nucleotide variant.
Coding change: c.2179-3C>T on transcript NM_201384.3 (MANE Select); 3 bases into the intron before coding-DNA position 2179, C replaced by T.
Molecular consequence: intron variant.
Genome position (GRCh38, 1-based): chr8:143,931,662, G>A on the plus strand (C>T on the coding strand, the complement: PLEC is on the minus strand). VCF-style: chr8-143931662-G-A. GRCh37 (hg19) VCF-style: chr8-145005830-G-A.
Other names: c.2260-3C>T (NM_001410941.1, NM_000445.5); c.2137-3C>T (NM_201378.4); c.2113-3C>T (NM_201379.3); c.2590-3C>T (NM_201380.4); c.2083-3C>T (NM_201381.3); c.2179-3C>T (NM_201382.4); c.2191-3C>T (NM_201383.3).
Identifiers: ClinVar variation 3751387 (VCV003751387.2).